The following is an entry in ClinVar:

NM_198904.4(GABRG2):c.1358C>T (p.Ala453Val)

Gene: GABRG2 (gamma-aminobutyric acid type A receptor subunit gamma2; plus strand). Cytogenetic location: 5q34.
Variant type: single nucleotide variant.
Coding change: c.1358C>T on transcript NM_198904.4 (MANE Select); coding-DNA position 1358, C replaced by T.
Protein change: p.Ala453Val; replaces alanine 453 with valine.
Molecular consequence: missense variant. On other transcripts: 3 prime UTR variant (1).
Genome position (GRCh38, 1-based): chr5:162,153,298, C>T. VCF-style: chr5-162153298-C-T. GRCh37 (hg19) VCF-style: chr5-161580304-C-T.
Other names: c.1334C>T, p.Ala445Val (NM_000816.3); c.1349C>T, p.Ala450Val (NM_001375339.1); c.*192C>T (NM_001375340.1); c.1355C>T, p.Ala452Val (NM_001375341.1); c.1331C>T, p.Ala444Val (NM_001375342.1); c.1454C>T, p.Ala485Val (NM_001375343.1); c.1397C>T, p.Ala466Val (NM_001375344.1); c.1268C>T, p.Ala423Val (NM_001375345.1); and 6 more; short protein forms A305V, A313V, A350V, A423V, A424V, A431V, A444V, A445V.
Identifiers: ClinVar variation 1325835 (VCV001325835.12), dbSNP rs2113651364, ClinGen allele CA362183967.

ClinVar aggregate classification (germline): Uncertain significance. Review status: criteria provided, multiple submitters, no conflicts (2 of 4 stars). 3 submissions from 3 submitters: Uncertain significance (3). Last evaluated 2026-03-24.

Conditions:
Febrile seizures, familial, 8 (FEB8). Also called: CONVULSIONS, FAMILIAL FEBRILE, 8. Identifiers: Orphanet 36387, MedGen C1969810, MONDO:0011891, OMIM 607681.
EPILEPSY, CHILDHOOD ABSENCE, SUSCEPTIBILITY TO, 2 (ECA2). Identifiers: Orphanet 64280, MedGen C1843244, OMIM 607681.

Submissions (3):

Institute of Human Genetics, University of Leipzig Medical Center
Classification: Uncertain significance for Febrile seizures, familial, 8. Last evaluated: 2026-03-24. Review status: criteria provided, single submitter. Criteria: ACMG Guidelines, 2015. Collection method: clinical testing. Allele origin: paternal. Inheritance: Autosomal dominant inheritance. Affected: yes.
Comment: Criteria applied: PM2,PP2,PP3

GeneDx
Classification: Uncertain significance. Last evaluated: 2024-04-04. Review status: criteria provided, single submitter. Criteria: GeneDx Variant Classification Process June 2021. Collection method: clinical testing. Allele origin: germline. Affected: yes.
Comment: Not observed at significant frequency in large population cohorts (gnomAD); In silico analysis supports that this missense variant has a deleterious effect on protein structure/function; Has not been previously published as pathogenic or benign to our knowledge

Labcorp Genetics (formerly Invitae), Labcorp
Classification: Uncertain significance for Febrile seizures, familial, 8; EPILEPSY, CHILDHOOD ABSENCE, SUSCEPTIBILITY TO, 2. Last evaluated: 2021-02-19. Review status: criteria provided, single submitter. Criteria: Invitae Variant Classification Sherloc (09022015). Collection method: clinical testing. Allele origin: germline.
Comment: This sequence change replaces alanine with valine at codon 445 of the GABRG2 protein (p.Ala445Val). The alanine residue is moderately conserved and there is a small physicochemical difference between alanine and valine. This variant is not present in population databases (ExAC no frequency). This variant has not been reported in the literature in individuals with GABRG2-related conditions. Advanced modeling of protein sequence and biophysical properties (such as structural, functional, and spatial information, amino acid conservation, physicochemical variation, residue mobility, and thermodynamic stability) performed at Invitae indicates that this missense variant is expected to disrupt GABRG2 protein function. In summary, the available evidence is currently insufficient to determine the role of this variant in disease. Therefore, it has been classified as a Variant of Uncertain Significance.